The following is an entry in ClinVar:

ClinVar aggregate classification (germline): Uncertain significance. Review status: criteria provided, multiple submitters, no conflicts (2 of 4 stars). 3 submissions from 3 submitters: Uncertain significance (3). Last evaluated 2026-01-05.

Conditions:
Hereditary cancer-predisposing syndrome. Also called: Hereditary neoplastic syndrome; Tumor predisposition; Neoplastic Syndromes, Hereditary; Hereditary Cancer Syndrome. Identifiers: Orphanet 140162, MedGen C0027672, MeSH D009386, MONDO:0015356.
Hereditary nonpolyposis colorectal neoplasms. Identifiers: MedGen C0009405, MeSH D003123.

Allele frequency attached by ClinVar (database versions not stated): gnomAD 0.00001.
gnomAD v4.1: 1 of 1,613,988 alleles (0.000062%); highest among the groups gnomAD compares: Admixed American, 0.0017%; no homozygotes.

Submissions (3):

Labcorp Genetics (formerly Invitae), Labcorp
Classification: Uncertain significance for Hereditary nonpolyposis colorectal neoplasms. Last evaluated: 2026-01-05. Review status: criteria provided, single submitter. Criteria: Invitae Variant Classification Sherloc (09022015). Collection method: clinical testing. Allele origin: germline.
Comment: This sequence change replaces leucine, which is neutral and non-polar, with valine, which is neutral and non-polar, at codon 773 of the MSH6 protein (p.Leu773Val). This variant is not present in population databases (gnomAD no frequency). This variant has not been reported in the literature in individuals affected with MSH6-related conditions. ClinVar contains an entry for this variant (Variation ID: 419439). Invitae Evidence Modeling of protein sequence and biophysical properties (such as structural, functional, and spatial information, amino acid conservation, physicochemical variation, residue mobility, and thermodynamic stability) has been performed for this missense variant. However, the output from this modeling did not meet the statistical confidence thresholds required to predict the impact of this variant on MSH6 protein function. In summary, the available evidence is currently insufficient to determine the role of this variant in disease. Therefore, it has been classified as a Variant of Uncertain Significance.

Ambry Genetics
Classification: Uncertain significance for Hereditary cancer-predisposing syndrome. Last evaluated: 2024-09-02. Review status: criteria provided, single submitter. Criteria: Ambry Variant Classification Scheme 2023. Collection method: clinical testing. Allele origin: germline.
Comment: The p.L773V variant (also known as c.2317C>G), located in coding exon 4 of the MSH6 gene, results from a C to G substitution at nucleotide position 2317. The leucine at codon 773 is replaced by valine, an amino acid with highly similar properties. This amino acid position is conserved. In addition, this alteration is predicted to be deleterious by in silico analysis. Based on the available evidence, the clinical significance of this variant remains unclear.

GeneDx
Classification: Uncertain significance. Last evaluated: 2016-07-21. Review status: criteria provided, single submitter. Criteria: GeneDx Variant Classification (06012015). Collection method: clinical testing. Allele origin: germline. Affected: yes.
Comment: This variant is denoted MSH6 c.2317C>G at the cDNA level, p.Leu773Val (L773V) at the protein level, and results in the change of a Leucine to a Valine (CTC>GTC). This variant has not, to our knowledge, been published in the literature as pathogenic or benign. MSH6 Leu773Val was not observed in approximately 6,500 individuals of European and African American ancestry in the NHLBI Exome Sequencing Project, suggesting it is not a common benign variant in these populations. Since Leucine and Valine share similar properties, this is considered a conservative amino acid substitution. MSH6 Leu773Val occurs at a position that is conserved across species and is located within the MutS domain III (Terui 2013). In silico analyses predict that this variant is probably damaging to protein structure and function. Based on currently available evidence, it is unclear whether MSH6 Leu773Val is a pathogenic or benign variant. We consider it to be a variant of uncertain significance.

NM_000179.3(MSH6):c.2317C>G (p.Leu773Val)

Gene: MSH6 (mutS homolog 6; plus strand). Cytogenetic location: 2p16.3.
Variant type: single nucleotide variant.
Coding change: c.2317C>G on transcript NM_000179.3 (MANE Select); coding-DNA position 2317, C replaced by G.
Protein change: p.Leu773Val; replaces leucine 773 with valine.
Molecular consequence: missense variant.
Genome position (GRCh38, 1-based): chr2:47,800,300, C>G. VCF-style: chr2-47800300-C-G. GRCh37 (hg19) VCF-style: chr2-48027439-C-G.
Other names: c.1927C>G, p.Leu643Val (NM_001281492.2); c.1411C>G, p.Leu471Val (NM_001281493.2, NM_001281494.2); short protein forms L773V, L471V, L643V.
Identifiers: ClinVar variation 419439 (VCV000419439.6), dbSNP rs1064793871, ClinGen allele CA16617671.